The following is an entry in ClinVar:

ClinVar aggregate classification (germline): Pathogenic. Review status: criteria provided, multiple submitters, no conflicts (2 of 4 stars). 7 submissions from 7 submitters: Pathogenic (6). 1 of the submissions does not count toward it. Last evaluated 2025-11-17.

Conditions:
Inborn genetic diseases. Identifiers: MedGen C0950123, MeSH D030342.
Bosch-Boonstra-Schaaf optic atrophy syndrome (BBSOAS). Also called: NR2F1-Related Neurodevelopmental Disorder. Identifiers: Orphanet 401777, MedGen C3810363, MONDO:0014320, OMIM 615722.

Submissions (7):

Ambry Genetics
Classification: Pathogenic for Inborn genetic diseases. Last evaluated: 2025-11-17. Review status: criteria provided, single submitter. Criteria: Ambry Variant Classification Scheme 2023. Collection method: clinical testing. Allele origin: germline.
Comment: The c.2T>C (p.M1?) alteration is located in coding exon 1 of the NR2F1 gene and results from a T to C substitution at nucleotide position 1. This alters the methionine residue at the initiation codon (ATG). Sequence variations that modify the initiation codon are expected to result in either loss of translation initiation, N-terminal truncation, or cause a shift in the mRNA reading frame. This variant was not reported in population-based cohorts in the Genome Aggregation Database (gnomAD). This variant was reported in individuals with features consistent with Bosch-Boonstra-Schaaf optic atrophy syndrome; in at least one individual, it was determined to be de novo (Chen, 2016; Rech, 2020; Gazdagh, 2022; Ambry internal data). Based on the available evidence, this alteration is classified as pathogenic.

3billion
Classification: Pathogenic for Bosch-Boonstra-Schaaf optic atrophy syndrome. Last evaluated: 2025-02-19. Review status: criteria provided, single submitter. Criteria: ACMG Guidelines, 2015. Collection method: clinical testing. Allele origin: germline. Affected: yes.
Comment: The variant is not observed in the gnomAD v4.1.0 dataset. Predicted Consequence/Location: Start-lost: reinitiation of translation may occur at a downstream alternate start codon but still result in a loss or disruption of normal protein function as there have been pathogenic variants reported upstream of the alternate start codon. Functional studies provide moderate evidence of the variant having a damaging effect on the gene or gene product (PMID: 26986877). The variant has been reported at least twice as pathogenic without evidence for the classification (ClinVar ID: VCV000279855 /PMID: 26986877 /3billion dataset). Therefore, this variant is classified as Pathogenic according to the recommendation of ACMG/AMP guideline.

Genetics and Genomic Medicine Centre, NeuroGen Healthcare, NeuroGen Healthcare
Classification: Pathogenic for Bosch-Boonstra-Schaaf optic atrophy syndrome. Last evaluated: 2024-12-21. Review status: criteria provided, single submitter. Criteria: ACMG Guidelines, 2015. Collection method: clinical testing. Allele origin: unknown. Affected: yes.

Labcorp Genetics (formerly Invitae), Labcorp
Classification: Pathogenic. Last evaluated: 2024-03-15. Review status: criteria provided, single submitter. Criteria: Invitae Variant Classification Sherloc (09022015). Collection method: clinical testing. Allele origin: germline.
Comment: This sequence change affects the initiator methionine of the NR2F1 mRNA. The next in-frame methionine is located at codon 3. The frequency data for this variant in the population databases is considered unreliable, as metrics indicate insufficient coverage at this position in the gnomAD database. Disruption of the initiator codon has been observed in individuals with Bosch-Boonstra-Schaaf optic atrophy syndrome (PMID: 26986877). ClinVar contains an entry for this variant (Variation ID: 279855). Studies have shown that disruption of the initiator codon alters NR2F1 gene expression (PMID: 26986877). For these reasons, this variant has been classified as Pathogenic.

GeneDx
Classification: Pathogenic. Last evaluated: 2021-12-28. Review status: criteria provided, single submitter. Criteria: GeneDx Variant Classification Process June 2021. Collection method: clinical testing. Allele origin: germline. Affected: yes.
Comment: Functional studies in fibroblasts derived from patients harboring the c.2 T>C variant have demonstrated reduced NR2F1 mRNA and NR2F1 protein levels, suggesting the variant impacts both transcription and translation (Chen et al., 2016), however, additional studies have not been reported; Initiation codon variant in a gene for which loss-of-function is a known mechanism of disease; Not observed at significant frequency in large population cohorts (Lek et al., 2016); This variant is associated with the following publications: (PMID: 26986877, 30945278, 32484994)

Victorian Clinical Genetics Services, Murdoch Childrens Research Institute
Classification: Pathogenic for Bosch-Boonstra-Schaaf optic atrophy syndrome. Last evaluated: 2019-08-28. Review status: criteria provided, single submitter. Criteria: ACMG Guidelines, 2015. Collection method: clinical testing. Allele origin: germline. Inheritance: Autosomal dominant inheritance. Affected: yes.
Comment: A heterozygous start-loss variant was identified, NM_005654.5(NR2F1):c.2T>C in exon 1 of 3 of the NR2F1 gene. This start-loss variant is predicted to create a change at amino acid position 1 of the protein, NP_005645.1(NR2F1):p.(Met1?), resulting in the loss of the canonical translation initiation codon. The variant is not present in the gnomAD population database. It has been previously reported in patients with Bosch-Boonstra-Schaaf optic atrophy syndrome (Chen, C.A. et al. (2016)). In addition, functional analysis shows that this variant causes decreased NR2F1 protein level (Chen, C.A. et al. (2016)). Other variants predicted to abolish the canonical translation initiation have been reported as pathogenic (ClinVar; Chen, C.A. et al. (2016)). Based on information available at the time of curation, this variant has been classified as PATHOGENIC.

OMIM
Classification: Pathogenic for BOSCH-BOONSTRA-SCHAAF OPTIC ATROPHY SYNDROME. Last evaluated: 2021-03-29. Review status: no assertion criteria provided. Collection method: literature only. Allele origin: germline. Not counted in ClinVar's aggregate classification.

Literature cited by the submitters: PubMed 26986877 (cited by 4 submitters); PubMed 32275123 (cited by Ambry Genetics); PubMed 34787370 (cited by Ambry Genetics).

NM_005654.6(NR2F1):c.2T>C (p.Met1Thr)

Genes: NR2F1 (nuclear receptor subfamily 2 group F member 1; plus strand), NR2F1-AS1 (NR2F1 regulatory antisense RNA 1; minus strand). Cytogenetic location: 5q15.
Variant type: single nucleotide variant.
Coding change: c.2T>C on transcript NM_005654.6 (MANE Select); coding-DNA position 2, T replaced by C.
Protein change: p.Met1Thr; changes the start codon (methionine 1).
Molecular consequence: missense variant, initiator codon variant.
Genome position (GRCh38, 1-based): chr5:93,585,025, T>C. VCF-style: chr5-93585025-T-C. GRCh37 (hg19) VCF-style: chr5-92920731-T-C.
Other names: c.2T>C (NM_005654.5); short protein forms M1T.
Identifiers: ClinVar variation 279855 (VCV000279855.15), dbSNP rs886041216, ClinGen allele CA10602971.